The following is an entry in ClinVar:

ClinVar aggregate classification (germline): Pathogenic (1 of 4 stars; one submission).

Conditions:
Tuberous sclerosis 1 (TSC1). Identifiers: Orphanet 805, MedGen C1854465, MONDO:0008612, OMIM 191100.

Submission:

Labcorp Genetics (formerly Invitae), Labcorp
Classification: Pathogenic for Tuberous sclerosis 1. Last evaluated: 2024-09-30. Review status: criteria provided, single submitter. Criteria: Invitae Variant Classification Sherloc (09022015). Collection method: clinical testing. Allele origin: germline.
Comment: This sequence change creates a premature translational stop signal (p.Tyr929Ilefs*3) in the TSC1 gene. It is expected to result in an absent or disrupted protein product. Loss-of-function variants in TSC1 are known to be pathogenic (PMID: 10227394, 17304050). This variant is not present in population databases (gnomAD no frequency). This variant has not been reported in the literature in individuals affected with TSC1-related conditions. For these reasons, this variant has been classified as Pathogenic.

Literature cited by the submitters: PubMed 10227394; PubMed 17304050.

NM_000368.5(TSC1):c.2784_2785insAT (p.Tyr929fs)

Gene: TSC1 (TSC complex subunit 1; minus strand). Cytogenetic location: 9q34.13.
Variant type: Insertion.
Coding change: c.2784_2785insAT on transcript NM_000368.5 (MANE Select); coding-DNA positions 2784 to 2785, AT inserted.
Protein change: p.Tyr929fs; shifts the reading frame from tyrosine 929.
Molecular consequence: frameshift variant. On other transcripts: non-coding transcript variant (5).
Genome position: GRCh38 VCF-style: chr9-132897451-A-AAT. GRCh37 (hg19) VCF-style: chr9-135772838-A-AAT.
Other names: c.2781_2782insAT, p.Tyr928fs (NM_001162426.2, NM_001406597.1, NM_001406598.1 and 2 more transcripts); c.2631_2632insAT, p.Tyr878fs (NM_001162427.2, NM_001406610.1); c.2421_2422insAT, p.Tyr808fs (NM_001362177.2, NM_001406614.1, NM_001406615.1 and 4 more transcripts); c.2784_2785insAT, p.Tyr929fs (NM_001406592.1, NM_001406593.1, NM_001406594.1 and 2 more transcripts); c.2769_2770insAT, p.Tyr924fs (NM_001406601.1, NM_001406602.1); c.2766_2767insAT, p.Tyr923fs (NM_001406603.1, NM_001406604.1); c.2742_2743insAT, p.Tyr915fs (NM_001406605.1, NM_001406606.1, NM_001406607.1); c.2739_2740insAT, p.Tyr914fs (NM_001406608.1, NM_001406609.1); and 8 more; short protein forms Y808fs, Y877fs, Y928fs, Y929fs, Y578fs, Y793fs, Y914fs, Y915fs.
Identifiers: ClinVar variation 3721859 (VCV003721859.2).
Genomic context (GRCh38, chr9:132,897,451, plus strand): 5'-AAAACACAAAAGCCTTTCCTGATGAAAGTTACCTTGCCTGGAGTTTGACATCCTCTAGAT[A>AAT]TTTCTTCTGTTCCAAAAGAAGGTGGTCTTTCTTGGCCAGGTGAGATTCCAGTTCCAAAAT-3'